The following is an entry in ClinVar:

ClinVar aggregate classification (germline): Uncertain significance (1 of 4 stars; one submission).

Conditions:
APOE-related disorder. Also called: APOE-related condition.

gnomAD v4.1: 16 of 1,594,460 alleles (0.001%); highest among the groups gnomAD compares: African/African-American, 0.021%; no homozygotes.

Submission:

PreventionGenetics, part of Exact Sciences
Classification: Uncertain significance for APOE-related condition. Last evaluated: 2024-12-10. Review status: criteria provided, single submitter. Criteria: ACMG Guidelines, 2015. Collection method: clinical testing. Allele origin: germline.
Comment: The APOE c.826C>T variant is predicted to result in premature protein termination (p.Gln276*). This variant resides in the final exon of this gene, and it is unclear if the resulting mRNA would undergo nonsense-mediated decay. To our knowledge, this variant has not been reported in the literature and no truncating variants downstream have been conclusively associated with APOE-related disorders. This variant is reported in 0.028% of alleles in individuals of African descent in gnomAD. At this time, the clinical significance of this variant is uncertain due to the absence of conclusive functional and genetic evidence.

NM_000041.4(APOE):c.826C>T (p.Gln276Ter)

Gene: APOE (apolipoprotein E; plus strand). Cytogenetic location: 19q13.32.
Variant type: single nucleotide variant.
Coding change: c.826C>T on transcript NM_000041.4 (MANE Select); coding-DNA position 826, C replaced by T.
Protein change: p.Gln276Ter; replaces glutamine 276 with a stop codon.
Molecular consequence: nonsense.
Genome position (GRCh38, 1-based): chr19:44,909,122, C>T. VCF-style: chr19-44909122-C-T. GRCh37 (hg19) VCF-style: chr19-45412379-C-T.
Other names: c.904C>T, p.Gln302Ter (NM_001302688.2); c.826C>T, p.Gln276Ter (NM_001302689.2, NM_001302690.2, NM_001302691.2); short protein forms Q302*, Q276*.
Identifiers: ClinVar variation 4981176 (VCV004981176.1).